The following is an entry in ClinVar:

NM_001375808.2(LPIN2):c.589C>T (p.Arg197Ter)

Gene: LPIN2 (lipin 2; minus strand). Cytogenetic location: 18p11.31.
Variant type: single nucleotide variant.
Coding change: c.589C>T on transcript NM_001375808.2 (MANE Select); coding-DNA position 589, C replaced by T.
Protein change: p.Arg197Ter; replaces arginine 197 with a stop codon.
Molecular consequence: nonsense.
Genome position (GRCh38, 1-based): chr18:2,951,056, G>A on the plus strand (C>T on the coding strand, the complement: LPIN2 is on the minus strand). VCF-style: chr18-2951056-G-A. GRCh37 (hg19) VCF-style: chr18-2951054-G-A.
Other names: c.589C>T, p.Arg197Ter (NM_001375809.1, NM_014646.2); short protein forms R197*.
Identifiers: ClinVar variation 567272 (VCV000567272.7), dbSNP rs750126005, ClinGen allele CA8873522.
Genomic context (GRCh38, chr18:2,951,056, plus strand): 5'-CTGGCTTCACATGAACTCTAGGTACCCGCACAAGACCCTTCCCAGGCTGAGAGTCCTACC[G>A]TGCTGCCTGGGCCCCCTTGTCATCATCGGAGCTCACGCCTACATCACATGTGTCTTCTGC-3'

ClinVar aggregate classification (germline): Pathogenic/Likely pathogenic. Review status: criteria provided, multiple submitters, no conflicts (2 of 4 stars). 2 submissions from 2 submitters: Pathogenic (1); Likely pathogenic (1). Last evaluated 2025-06-12.

Conditions:
Majeed syndrome (MJDS). Also called: CHRONIC RECURRENT MULTIFOCAL OSTEOMYELITIS 1, WITH CONGENITAL DYSERYTHROPOIETIC ANEMIA, WITH OR WITHOUT NEUTROPHILIC DERMATOSIS; LPIN2-Related Majeed Syndrome. Identifiers: Orphanet 77297, MedGen C1864997, MONDO:0012316, OMIM 609628.

Allele frequency attached by ClinVar (database versions not stated): gnomAD exomes 0.00002; ExAC 0.00003.
gnomAD v4.1: 35 of 1,613,876 alleles (0.0022%); highest among the groups gnomAD compares: Non-Finnish European, 0.0027%; no homozygotes.

Submissions (2):

Labcorp Genetics (formerly Invitae), Labcorp
Classification: Pathogenic for Majeed syndrome. Last evaluated: 2025-06-12. Review status: criteria provided, single submitter. Criteria: Invitae Variant Classification Sherloc (09022015). Collection method: clinical testing. Allele origin: germline.
Comment: This sequence change creates a premature translational stop signal (p.Arg197*) in the LPIN2 gene. It is expected to result in an absent or disrupted protein product. Loss-of-function variants in LPIN2 are known to be pathogenic (PMID: 15994876, 23087183). This variant is present in population databases (rs750126005, gnomAD 0.004%). This variant has not been reported in the literature in individuals affected with LPIN2-related conditions. ClinVar contains an entry for this variant (Variation ID: 567272). For these reasons, this variant has been classified as Pathogenic.

Fulgent Genetics
Classification: Likely pathogenic for Majeed syndrome. Last evaluated: 2022-04-18. Review status: criteria provided, single submitter. Criteria: ACMG Guidelines, 2015. Collection method: clinical testing. Allele origin: unknown.

Literature cited by the submitters: PubMed 15994876 (cited by Labcorp Genetics (formerly Invitae), Labcorp); PubMed 23087183 (cited by Labcorp Genetics (formerly Invitae), Labcorp).